The following is an entry in ClinVar:

ClinVar aggregate classification (germline): Uncertain significance (1 of 4 stars; one submission).

Submission:

Labcorp Genetics (formerly Invitae), Labcorp
Classification: Uncertain significance. Last evaluated: 2025-01-11. Review status: criteria provided, single submitter. Criteria: Invitae Variant Classification Sherloc (09022015). Collection method: clinical testing. Allele origin: germline.
Comment: This sequence change replaces aspartic acid, which is acidic and polar, with glycine, which is neutral and non-polar, at codon 80 of the SIAE protein (p.Asp80Gly). This variant is not present in population databases (gnomAD no frequency). This variant has not been reported in the literature in individuals affected with SIAE-related conditions. An algorithm developed to predict the effect of missense changes on protein structure and function outputs the following: PolyPhen-2: "Benign". The glycine amino acid residue is found in multiple mammalian species, which suggests that this missense change does not adversely affect protein function. In summary, the available evidence is currently insufficient to determine the role of this variant in disease. Therefore, it has been classified as a Variant of Uncertain Significance.

NM_170601.5(SIAE):c.239A>G (p.Asp80Gly)

Gene: SIAE (sialic acid acetylesterase; minus strand). Cytogenetic location: 11q24.2.
Variant type: single nucleotide variant.
Coding change: c.239A>G on transcript NM_170601.5 (MANE Select); coding-DNA position 239, A replaced by G.
Protein change: p.Asp80Gly; replaces aspartic acid 80 with glycine.
Molecular consequence: missense variant.
Genome position (GRCh38, 1-based): chr11:124,660,794, T>C on the plus strand (A>G on the coding strand, the complement: SIAE is on the minus strand). VCF-style: chr11-124660794-T-C. GRCh37 (hg19) VCF-style: chr11-124530690-T-C.
Other names: c.134A>G, p.Asp45Gly (NM_001199922.2); short protein forms D45G, D80G.
Identifiers: ClinVar variation 3728641 (VCV003728641.2).